The following is an entry in ClinVar:

ClinVar aggregate classification (germline): Likely pathogenic (0 of 4 stars; one submission).

Submission:

Genetic Services Laboratory, University of Chicago
Classification: Likely pathogenic. Last evaluated: 2022-05-19. Review status: no assertion criteria provided. Collection method: clinical testing. Allele origin: germline. Affected: yes.
Comment: DNA sequence analysis of the CASK gene demonstrated a sequence change located near the canonical +1 splice donor site in intron 12. This sequence change does not appear to have been previously described in individuals with CASK-related disorders and has not been described in the population databases such as ExAC and gnomAD. Based on in-silico splice prediction programs, this sequence change likely affects normal splicing of the CASK gene, which would result in an abnormal protein. Other splice site variants in CASK leading to loss-of-function have been demonstrated in individuals with CASK-related phenotypes (PMID: 21954287, PMID: 28783747). This sequence change is the likely cause of this individual's phenotype, however functional studies have not been performed to prove this conclusively.

NM_001367721.1(CASK):c.1155+1G>T

Gene: CASK (calcium/calmodulin dependent serine protein kinase; minus strand). Cytogenetic location: Xp11.4.
Variant type: single nucleotide variant.
Coding change: c.1155+1G>T on transcript NM_001367721.1 (MANE Select); the canonical splice donor site of the intron after coding-DNA position 1155, G replaced by T.
Molecular consequence: splice donor variant.
Genome position (GRCh38, 1-based): chrX:41,609,903, C>A on the plus strand (G>T on the coding strand, the complement: CASK is on the minus strand). VCF-style: chrX-41609903-C-A. GRCh37 (hg19) VCF-style: chrX-41469156-C-A.
Other names: c.1137+1G>T (NM_001126055.3, NM_001410745.1); c.1155+1G>T (NM_001126054.3, NM_003688.4).
Identifiers: ClinVar variation 2443088 (VCV002443088.2), dbSNP rs2518967010, ClinGen allele CA412999524.